The following is an entry in ClinVar:

NM_001701.4(BAAT):c.903A>T (p.Thr301=)

Gene: BAAT (bile acid-CoA:amino acid N-acyltransferase; minus strand). Cytogenetic location: 9q31.1.
Variant type: single nucleotide variant.
Coding change: c.903A>T on transcript NM_001701.4 (MANE Select); coding-DNA position 903, A replaced by T.
Protein change: p.Thr301=; no amino-acid change (threonine 301 retained).
Molecular consequence: synonymous variant.
Genome position (GRCh38, 1-based): chr9:101,362,782, T>A on the plus strand (A>T on the coding strand, the complement: BAAT is on the minus strand). VCF-style: chr9-101362782-T-A. GRCh37 (hg19) VCF-style: chr9-104125064-T-A.
Other names: c.903A>T, p.Thr301= (NM_001127610.2, NM_001374715.1); c.903A>T (NM_001701.3).
Identifiers: ClinVar variation 501472 (VCV000501472.7), dbSNP rs767910529, ClinGen allele CA5160614.

ClinVar aggregate classification (germline): Uncertain significance. Review status: criteria provided, single submitter (1 of 4 stars). 2 submissions from 2 submitters: Uncertain significance (1). 1 of the submissions does not count toward it. Last evaluated 2017-04-14.

Conditions:
BAAT-related disorder. Also called: BAAT-related condition.

Allele frequency attached by ClinVar (database versions not stated): TOPMed 0.00001; ExAC 0.00002; gnomAD exomes 0.00002.
gnomAD v4.1: 15 of 1,614,046 alleles (0.00093%); highest among the groups gnomAD compares: Non-Finnish European, 0.0012%; no homozygotes.

Submissions (2):

Eurofins Ntd Llc (ga)
Classification: Uncertain significance. Last evaluated: 2017-04-14. Review status: criteria provided, single submitter. Criteria: EGL Classification Definitions 2015. Collection method: clinical testing. Allele origin: germline. Observed: 1 variant allele, 1 heterozygote.

PreventionGenetics, part of Exact Sciences
Classification: Likely benign for BAAT-related condition. Last evaluated: 2023-02-03. Review status: no assertion criteria provided. Collection method: clinical testing. Allele origin: germline. Not counted in ClinVar's aggregate classification.
Comment: This variant is classified as likely benign based on ACMG/AMP sequence variant interpretation guidelines (Richards et al. 2015 PMID: 25741868, with internal and published modifications).